The following is an entry in ClinVar:

NM_004655.4(AXIN2):c.1410C>G (p.His470Gln)

Gene: AXIN2 (axin 2; minus strand). Cytogenetic location: 17q24.1.
Variant type: single nucleotide variant.
Coding change: c.1410C>G on transcript NM_004655.4 (MANE Select); coding-DNA position 1410, C replaced by G.
Protein change: p.His470Gln; replaces histidine 470 with glutamine.
Molecular consequence: missense variant.
Genome position (GRCh38, 1-based): chr17:65,537,626, G>C on the plus strand (C>G on the coding strand, the complement: AXIN2 is on the minus strand). VCF-style: chr17-65537626-G-C. GRCh37 (hg19) VCF-style: chr17-63533744-G-C.
Other names: c.1410C>G, p.His470Gln (NM_001363813.1); short protein forms H470Q.
Identifiers: ClinVar variation 849021 (VCV000849021.9), dbSNP rs149483825, ClinGen allele CA400677560.

ClinVar aggregate classification (germline): Uncertain significance (1 of 4 stars; one submission).

Conditions:
Oligodontia-cancer predisposition syndrome. Also called: TOOTH AGENESIS-COLORECTAL CANCER SYNDROME. Identifiers: Orphanet 300576, MedGen C1837750, MONDO:0012075, OMIM 608615. Disease mechanism: loss of function.

Submission:

Labcorp Genetics (formerly Invitae), Labcorp
Classification: Uncertain significance for Oligodontia-cancer predisposition syndrome. Last evaluated: 2019-04-28. Review status: criteria provided, single submitter. Criteria: Invitae Variant Classification Sherloc (09022015). Collection method: clinical testing. Allele origin: germline.
Comment: In summary, the available evidence is currently insufficient to determine the role of this variant in disease. Therefore, it has been classified as a Variant of Uncertain Significance. Algorithms developed to predict the effect of sequence changes on RNA splicing suggest that this variant may create or strengthen a splice site, but this prediction has not been confirmed by published transcriptional studies. Algorithms developed to predict the effect of missense changes on protein structure and function (SIFT, PolyPhen-2, Align-GVGD) all suggest that this variant is likely to be tolerated, but these predictions have not been confirmed by published functional studies and their clinical significance is uncertain. This variant has not been reported in the literature in individuals with AXIN2-related conditions. This variant is not present in population databases (ExAC no frequency). This sequence change replaces histidine with glutamine at codon 470 of the AXIN2 protein (p.His470Gln). The histidine residue is moderately conserved and there is a small physicochemical difference between histidine and glutamine.